The following is an entry in ClinVar:

NM_001961.4(EEF2):c.1038C>G (p.Ala346=)

Gene: EEF2 (eukaryotic translation elongation factor 2; minus strand). Cytogenetic location: 19p13.3.
Variant type: single nucleotide variant.
Coding change: c.1038C>G on transcript NM_001961.4 (MANE Select); coding-DNA position 1038, C replaced by G.
Protein change: p.Ala346=; no amino-acid change (alanine 346 retained).
Molecular consequence: synonymous variant.
Genome position (GRCh38, 1-based): chr19:3,980,953, G>C on the plus strand (C>G on the coding strand, the complement: EEF2 is on the minus strand). VCF-style: chr19-3980953-G-C. GRCh37 (hg19) VCF-style: chr19-3980951-G-C.
Other names: c.1038C>G (NM_001961.3).
Identifiers: ClinVar variation 2714899 (VCV002714899.5), dbSNP rs757785891, ClinGen allele CA9089030.

ClinVar aggregate classification (germline): Likely benign. Review status: criteria provided, single submitter (1 of 4 stars). 2 submissions from 2 submitters: Likely benign (1). 1 of the submissions does not count toward it. Last evaluated 2023-07-09.

Conditions:
EEF2-related disorder. Also called: EEF2-related condition.

Submissions (2):

Labcorp Genetics (formerly Invitae), Labcorp
Classification: Likely benign. Last evaluated: 2023-07-09. Review status: criteria provided, single submitter. Criteria: Invitae Variant Classification Sherloc (09022015). Collection method: clinical testing. Allele origin: germline.

PreventionGenetics, part of Exact Sciences
Classification: Likely benign for EEF2-related condition. Last evaluated: 2019-05-28. Review status: no assertion criteria provided. Collection method: clinical testing. Allele origin: germline. Not counted in ClinVar's aggregate classification.
Comment: This variant is classified as likely benign based on ACMG/AMP sequence variant interpretation guidelines (Richards et al. 2015 PMID: 25741868, with internal and published modifications).